The following is an entry in ClinVar:

ClinVar aggregate classification (germline): Uncertain significance (1 of 4 stars; one submission).

Conditions:
Genitopatellar syndrome (GTPTS). Also called: Genitopatellar syndrome (GPS); ABSENT PATELLAE, SCROTAL HYPOPLASIA, RENAL ANOMALIES, FACIAL DYSMORPHISM, AND MENTAL RETARDATION. Identifiers: Orphanet 85201, MedGen C1853566, MONDO:0011640, OMIM 606170.

Submission:

Labcorp Genetics (formerly Invitae), Labcorp
Classification: Uncertain significance for Genitopatellar syndrome. Last evaluated: 2025-05-06. Review status: criteria provided, single submitter. Criteria: Invitae Variant Classification Sherloc (09022015). Collection method: clinical testing. Allele origin: germline.
Comment: This variant, c.3267_3293dup, results in the insertion of 9 amino acid(s) of the KAT6B protein (p.Asp1090_Glu1098dup), but otherwise preserves the integrity of the reading frame. The frequency data for this variant in the population databases is considered unreliable, as metrics indicate poor data quality at this position in the gnomAD database. This variant has not been reported in the literature in individuals affected with KAT6B-related conditions. ClinVar contains an entry for this variant (Variation ID: 2145989). Experimental studies and prediction algorithms are not available or were not evaluated, and the functional significance of this variant is currently unknown. In summary, the available evidence is currently insufficient to determine the role of this variant in disease. Therefore, it has been classified as a Variant of Uncertain Significance.

NM_012330.4(KAT6B):c.3267_3293dup (p.Glu1098_Glu1099insAspGluGluGluGluGluGluGluGlu)

Gene: KAT6B (lysine acetyltransferase 6B; plus strand). Cytogenetic location: 10q22.2.
Variant type: Duplication.
Coding change: c.3267_3293dup on transcript NM_012330.4 (MANE Select); coding-DNA positions 3267 to 3293, 27 bases duplicated (GGATGAAGAGGAGGAAGAAGAGGAAGA).
Protein change: p.Glu1098_Glu1099insAspGluGluGluGluGluGluGluGlu.
Molecular consequence: inframe insertion.
Genome position (GRCh38, 1-based): chr10:75,022,126-75,022,152, GGATGAAGAGGAGGAAGAAGAGGAAGA duplicated; duplicating any 27 consecutive bases within chr10:75,022,103-75,022,152 gives the same sequence; the c. name uses the placement nearest the transcript's 3' end. VCF-style (leftmost placement, unchanged base first): chr10-75022102-A-AGAAGAGGAGGAAGAAGAGGAAGAGGAT. GRCh37 (hg19) VCF-style: chr10-76781860-A-AGAAGAGGAGGAAGAAGAGGAAGAGGAT.
Other names: c.2718_2744dup, p.Glu915_Glu916insAspGluGluGluGluGluGluGluGlu (NM_001256468.2, NM_001370138.1); c.2391_2417dup, p.Glu806_Glu807insAspGluGluGluGluGluGluGluGlu (NM_001256469.2, NM_001370139.1, NM_001370140.1 and 2 more transcripts); c.2229_2255dup, p.Glu752_Glu753insAspGluGluGluGluGluGluGluGlu (NM_001370132.1); c.1578_1604dup, p.Glu535_Glu536insAspGluGluGluGluGluGluGluGlu (NM_001370133.1); c.1182_1208dup, p.Glu403_Glu404insAspGluGluGluGluGluGluGluGlu (NM_001370134.1); c.924_950dup, p.Glu317_Glu318insAspGluGluGluGluGluGluGluGlu (NM_001370135.1); c.3267_3293dup, p.Glu1098_Glu1099insAspGluGluGluGluGluGluGluGlu (NM_001370136.1, NM_001370137.1); c.2202_2228dup, p.Glu743_Glu744insAspGluGluGluGluGluGluGluGlu (NM_001370143.1, NM_001370144.1).
Identifiers: ClinVar variation 2145989 (VCV002145989.4), dbSNP rs756289189, ClinGen allele CA594709537.